The following is an entry in ClinVar:

NM_004380.3(CREBBP):c.5450C>T (p.Pro1817Leu)

Gene: CREBBP (CREB binding lysine acetyltransferase; minus strand). Cytogenetic location: 16p13.3.
Variant type: single nucleotide variant.
Coding change: c.5450C>T on transcript NM_004380.3 (MANE Select); coding-DNA position 5450, C replaced by T.
Protein change: p.Pro1817Leu; replaces proline 1817 with leucine.
Molecular consequence: missense variant.
Genome position (GRCh38, 1-based): chr16:3,729,597, G>A on the plus strand (C>T on the coding strand, the complement: CREBBP is on the minus strand). VCF-style: chr16-3729597-G-A. GRCh37 (hg19) VCF-style: chr16-3779598-G-A.
Other names: c.5336C>T, p.Pro1779Leu (NM_001079846.1); short protein forms P1817L, P1779L.
Identifiers: ClinVar variation 3720681 (VCV003720681.2).

ClinVar aggregate classification (germline): Uncertain significance (1 of 4 stars; one submission).

Conditions:
Rubinstein-Taybi syndrome (RSTS). Identifiers: Orphanet 783, MedGen C0035934, MONDO:0019188.

gnomAD v4.1: 2 of 1,614,164 alleles (0.00012%); highest among the groups gnomAD compares: Non-Finnish European, 0.00017%; no homozygotes.

Submission:

Labcorp Genetics (formerly Invitae), Labcorp
Classification: Uncertain significance for Rubinstein-Taybi syndrome. Last evaluated: 2024-09-27. Review status: criteria provided, single submitter. Criteria: Invitae Variant Classification Sherloc (09022015). Collection method: clinical testing. Allele origin: germline.
Comment: This sequence change replaces proline, which is neutral and non-polar, with leucine, which is neutral and non-polar, at codon 1817 of the CREBBP protein (p.Pro1817Leu). This variant is not present in population databases (gnomAD no frequency). This variant has not been reported in the literature in individuals affected with CREBBP-related conditions. Invitae Evidence Modeling of protein sequence and biophysical properties (such as structural, functional, and spatial information, amino acid conservation, physicochemical variation, residue mobility, and thermodynamic stability) indicates that this missense variant is expected to disrupt CREBBP protein function with a positive predictive value of 95%. In summary, the available evidence is currently insufficient to determine the role of this variant in disease. Therefore, it has been classified as a Variant of Uncertain Significance.